The following is an entry in ClinVar:

NM_001378743.1(CYLD):c.1473C>T (p.Ile491=)

Gene: CYLD (CYLD lysine 63 deubiquitinase; plus strand). Cytogenetic location: 16q12.1.
Variant type: single nucleotide variant.
Coding change: c.1473C>T on transcript NM_001378743.1 (MANE Select); coding-DNA position 1473, C replaced by T.
Protein change: p.Ile491=; no amino-acid change (isoleucine 491 retained).
Molecular consequence: synonymous variant. On other transcripts: non-coding transcript variant (1).
Genome position (GRCh38, 1-based): chr16:50,779,999, C>T. VCF-style: chr16-50779999-C-T. GRCh37 (hg19) VCF-style: chr16-50813910-C-T.
Other names: c.1464C>T (NM_001042355.1); c.1464C>T, p.Ile488= (NM_001042355.2, NM_001042412.3, NM_001378744.1 and 6 more transcripts); c.1434C>T, p.Ile478= (NM_001378751.1, NM_001378752.1, NM_001378753.1); c.798C>T, p.Ile266= (NM_001378754.1, NM_001378755.1); c.1473C>T, p.Ile491= (NM_015247.3).
Identifiers: ClinVar variation 319503 (VCV000319503.15), dbSNP rs75757530, ClinGen allele CA8052401.

ClinVar aggregate classification (germline): Benign/Likely benign. Review status: criteria provided, multiple submitters, no conflicts (2 of 4 stars). 6 submissions from 4 submitters: Benign (4); Likely benign (2). Last evaluated 2025-05-12.

Conditions:
Familial multiple trichoepitheliomata. Also called: Familial multiple trichoepithelioma. Identifiers: Orphanet 79493, Orphanet 867, MedGen C1275122, MONDO:0011114.
Trichoepithelioma, multiple familial, 1 (MFT1). Also called: EPITHELIOMA ADENOIDES CYSTICUM OF BROOKE; EPITHELIOMA, HEREDITARY MULTIPLE BENIGN CYSTIC; BROOKE-FORDYCE TRICHOEPITHELIOMAS. Identifiers: MedGen CN296585, MONDO:0042977, OMIM 601606.
Familial cylindromatosis. Also called: Turban tumor syndrome; ANCELL-SPIEGLER CYLINDROMAS. Identifiers: Orphanet 211, Orphanet 79493, MedGen C1851526, MONDO:0007565, OMIM 132700.
Brooke-Spiegler syndrome. Also called: CYLD Cutaneous Syndrome. Identifiers: Orphanet 79493, MedGen C1857941, MONDO:0011512, OMIM 605041.

Allele frequency attached by ClinVar (database versions not stated): gnomAD exomes 0.00072 and 0.00184; ExAC 0.00225; ESP Exome Variant Server 0.00622; 1000 Genomes Project 30x 0.00718; gnomAD 0.00752 and 0.00802; 1000 Genomes Project 0.00779; TOPMed 0.00838.
gnomAD v4.1: 2,238 of 1,614,114 alleles (0.14%); highest among the groups gnomAD compares: African/African-American, 2.6%; 24 homozygotes.

Submissions (6):

Labcorp Genetics (formerly Invitae), Labcorp
Classification: Benign. Last evaluated: 2025-05-12. Review status: criteria provided, single submitter. Criteria: Invitae Variant Classification Sherloc (09022015). Collection method: clinical testing. Allele origin: germline.

KCCC/NGS Laboratory, Kuwait Cancer Control Center
Classification: Likely benign for Trichoepithelioma, multiple familial, 1. Last evaluated: 2023-07-07. Review status: criteria provided, single submitter. Criteria: ACMG Guidelines, 2015. Collection method: clinical testing. Allele origin: germline. Affected: yes.

GeneDx
Classification: Likely benign. Last evaluated: 2020-12-11. Review status: criteria provided, single submitter. Criteria: GeneDx Variant Classification Process June 2021. Collection method: clinical testing. Allele origin: germline. Affected: yes.

Illumina Laboratory Services, Illumina
Classification: Benign for Brooke-Spiegler syndrome. Last evaluated: 2018-01-13. Review status: criteria provided, single submitter. Criteria: ICSL Variant Classification Criteria 13 December 2019. Collection method: clinical testing. Allele origin: germline.
Comment: This variant was observed in the ICSL laboratory as part of a predisposition screen in an ostensibly healthy population. It had not been previously curated by ICSL or reported in the Human Gene Mutation Database (HGMD: prior to June 1st, 2018), and was therefore a candidate for classification through an automated scoring system. Utilizing variant allele frequency, disease prevalence and penetrance estimates, and inheritance mode, an automated score was calculated to assess if this variant is too frequent to cause the disease. Based on the score and internal cut-off values, a variant classified as benign is not then subjected to further curation. The score for this variant resulted in a classification of benign for this disease.

Illumina Laboratory Services, Illumina
Classification: Benign for Familial cylindromatosis. Last evaluated: 2018-01-13. Review status: criteria provided, single submitter. Criteria: ICSL Variant Classification Criteria 13 December 2019. Collection method: clinical testing. Allele origin: germline.
Comment: the same text as in the submission from Illumina Laboratory Services, Illumina above.

Illumina Laboratory Services, Illumina
Classification: Benign for Trichoepithelioma, multiple familial, 1. Last evaluated: 2018-01-13. Review status: criteria provided, single submitter. Criteria: ICSL Variant Classification Criteria 13 December 2019. Collection method: clinical testing. Allele origin: germline.
Comment: the same text as in the submission from Illumina Laboratory Services, Illumina above.